The following is an entry in ClinVar:

ClinVar aggregate classification (germline): Pathogenic. Review status: criteria provided, multiple submitters, no conflicts (2 of 4 stars). 2 submissions from 2 submitters: Pathogenic (2). Last evaluated 2025-03-21.

Conditions:
Interstitial lung disease due to ABCA3 deficiency. Also called: PULMONARY ALVEOLAR PROTEINOSIS, CONGENITAL, 3. Identifiers: Orphanet 440402, MedGen C1970456, MONDO:0012582, OMIM 610921.

Submissions (2):

Myriad Genetics, Inc.
Classification: Pathogenic for Interstitial lung disease due to ABCA3 deficiency. Last evaluated: 2025-03-21. Review status: criteria provided, single submitter. Criteria: Myriad Autosomal Dominant, Autosomal Recessive and X-Linked Classification Criteria (2023). Collection method: clinical testing. Allele origin: unknown.
Comment: NM_001089.2(ABCA3):c.1926delT(E643Kfs*23) is expected to be pathogenic in the context of surfactant deficiency, ABCA3-related. This variant is predicted to lead to an abnormal or absent protein product due to the creation of a premature termination codon in ABCA3, a gene where loss-of-function variants are known to be pathogenic. Please note: this variant was assessed in the context of healthy population screening.

Labcorp Genetics (formerly Invitae), Labcorp
Classification: Pathogenic. Last evaluated: 2023-11-13. Review status: criteria provided, single submitter. Criteria: Invitae Variant Classification Sherloc (09022015). Collection method: clinical testing. Allele origin: germline.
Comment: This sequence change creates a premature translational stop signal (p.Glu643Lysfs*23) in the ABCA3 gene. It is expected to result in an absent or disrupted protein product. Loss-of-function variants in ABCA3 are known to be pathogenic (PMID: 27516224). This variant is not present in population databases (gnomAD no frequency). This variant has not been reported in the literature in individuals affected with ABCA3-related conditions. For these reasons, this variant has been classified as Pathogenic.

Literature cited by the submitters: PubMed 27516224 (cited by Labcorp Genetics (formerly Invitae), Labcorp).

NM_001089.3(ABCA3):c.1926del (p.Glu643fs)

Gene: ABCA3 (ATP binding cassette subfamily A member 3; minus strand). Cytogenetic location: 16p13.3.
Variant type: Deletion.
Coding change: c.1926del on transcript NM_001089.3 (MANE Select); coding-DNA position 1926, one base deleted (T; older notation c.1926delT).
Protein change: p.Glu643fs; shifts the reading frame from glutamic acid 643.
Molecular consequence: frameshift variant.
Genome position (GRCh38, 1-based): chr16:2,297,892, A deleted on the plus strand (T on the coding strand, the reverse complement: ABCA3 is on the minus strand). VCF-style (leftmost placement, unchanged base first): chr16-2297891-CA-C. GRCh37 (hg19) VCF-style: chr16-2347892-CA-C.
Other names: short protein forms E643fs.
Identifiers: ClinVar variation 2905216 (VCV002905216.4), dbSNP rs2093682572, ClinGen allele CA2202157190.